The following is an entry in ClinVar:

ClinVar aggregate classification (germline): Pathogenic (1 of 4 stars; one submission).

Conditions:
Familial hypobetalipoproteinemia 1. Also called: Hypobetalipoproteinemia, normotriglyceridemic; Acanthocytosis with hypobetalipoproteinemia; APOB-Related Familial Hypobetalipoproteinemia. Identifiers: MedGen C4551990, MONDO:0014252, OMIM 615558.
Hypercholesterolemia, autosomal dominant, type B (FHCL2). Also called: Familial Hypercholesterolemia Type B; APOLIPOPROTEIN B-100, FAMILIAL DEFECTIVE; APOLIPOPROTEIN B-100, FAMILIAL LIGAND-DEFECTIVE; HYPERCHOLESTEROLEMIA, FAMILIAL, DUE TO LIGAND-DEFECTIVE APOLIPOPROTEIN B; Familial hypercholesterolemia 2; APOB-Related Familial Hypercholesterolemia, Autosomal Dominant. Identifiers: MedGen C1704417, MONDO:0007751, OMIM 144010.

Submission:

Labcorp Genetics (formerly Invitae), Labcorp
Classification: Pathogenic for Familial hypobetalipoproteinemia 1; Hypercholesterolemia, autosomal dominant, type B. Last evaluated: 2022-10-26. Review status: criteria provided, single submitter. Criteria: Invitae Variant Classification Sherloc (09022015). Collection method: clinical testing. Allele origin: germline.
Comment: This sequence change creates a premature translational stop signal (p.Leu2621*) in the APOB gene. It is expected to result in an absent or disrupted protein product. Loss-of-function variants in APOB are known to be pathogenic (PMID: 20032471). This variant is not present in population databases (gnomAD no frequency). This variant has not been reported in the literature in individuals affected with APOB-related conditions. For these reasons, this variant has been classified as Pathogenic.

Literature cited by the submitters: PubMed 20032471.

NM_000384.3(APOB):c.7861del (p.Pro2620_Leu2621insTer)

Gene: APOB (apolipoprotein B; minus strand). Cytogenetic location: 2p24.1.
Variant type: Deletion.
Coding change: c.7861del on transcript NM_000384.3 (MANE Select); coding-DNA position 7861, one base deleted (C; older notation c.7861delC).
Protein change: p.Pro2620_Leu2621insTer.
Molecular consequence: nonsense.
Genome position (GRCh38, 1-based): chr2:21,009,007, G deleted on the plus strand (C on the coding strand, the reverse complement: APOB is on the minus strand); the first of 5 consecutive G bases (chr2:21,009,007-21,009,011); deleting any one gives the same sequence. VCF-style (leftmost placement, unchanged base first): chr2-21009006-AG-A. GRCh37 (hg19) VCF-style: chr2-21231878-AG-A.
Identifiers: ClinVar variation 1914768 (VCV001914768.5), dbSNP rs779190356, ClinGen allele CA2580064969.
Genomic context (GRCh38, chr2:21,009,006, plus strand): 5'-ATTTTTATATTTTTTAAGTCTTTGAAGTTTATCTGAACTGATGGAATCCTCAAATCTGTT[AG>A]GGGGACTATAAAATCAGGTGTCTGGAAGGTAGCTTTCTGAAGAGCCTGAAGACTGACTTC-3'